The following is an entry in ClinVar:

ClinVar aggregate classification (germline): Uncertain significance. Review status: criteria provided, multiple submitters, no conflicts (2 of 4 stars). 3 submissions from 3 submitters: Uncertain significance (3). Last evaluated 2025-06-23.

Conditions:
Malignant hyperthermia, susceptibility to, 1 (MHS1). Also called: Anesthesia related hyperthermia; Malignant hyperpyrexia; Fulminating hyperpyrexia; Pharmacogenic myopathy; Malignant hyperthermia suceptibility 1; RYR1-Related Malignant Hyperthermia Susceptibility. Identifiers: Orphanet 423, MedGen C2930980, MONDO:0007783, OMIM 145600.

Allele frequency attached by ClinVar (database versions not stated): ExAC 0.00001; ESP Exome Variant Server 0.00008.
gnomAD v4.1: 12 of 1,613,878 alleles (0.00074%); highest among the groups gnomAD compares: East Asian, 0.0022%; no homozygotes.

Submissions (3):

Color Diagnostics, LLC DBA Color Health
Classification: Uncertain significance for Malignant hyperthermia, susceptibility to, 1. Last evaluated: 2025-06-23. Review status: criteria provided, single submitter. Criteria: ACMG Guidelines, 2015. Collection method: clinical testing. Allele origin: germline.
Comment: This missense variant replaces aspartic acid with asparagine at codon 2909 of the RYR1 protein. Computational prediction suggests that this variant may have deleterious impact on protein structure and function. To our knowledge, functional studies have not been reported for this variant. This variant has not been reported in individuals affected with RYR1-related disorders in the literature. This variant has been identified in 1/251282 chromosomes in the general population by the Genome Aggregation Database (gnomAD). The available evidence is insufficient to determine the role of this variant in disease conclusively. Therefore, this variant is classified as a Variant of Uncertain Significance.

All of Us Research Program, National Institutes of Health
Classification: Uncertain significance for Malignant hyperthermia, susceptibility to, 1. Last evaluated: 2023-10-02. Review status: criteria provided, single submitter. Criteria: ACMG Guidelines, 2015. Collection method: clinical testing. Allele origin: germline. Inheritance: Autosomal dominant inheritance. Observed: 3 variant alleles, 3 heterozygotes.
Comment: This missense variant replaces aspartic acid with asparagine at codon 2909 of the RYR1 protein. Computational prediction suggests that this variant may have deleterious impact on protein structure and function (internally defined REVEL score threshold >= 0.7, PMID: 27666373). To our knowledge, functional studies have not been reported for this variant. This variant has not been reported in individuals affected with RYR1-related disorders in the literature. This variant has been identified in 1/251282 chromosomes in the general population by the Genome Aggregation Database (gnomAD). The available evidence is insufficient to determine the role of this variant in disease conclusively. Therefore, this variant is classified as a Variant of Uncertain Significance.

This study involves interpretation of variants in research participants for the purpose of population health screening. Participant phenotype was not available at the time of variant classification. Additional details can be found in publication PMID: 35346344, PMCID: PMC8962531

Revvity Omics, Revvity
Classification: Uncertain significance. Last evaluated: 2020-09-20. Review status: criteria provided, single submitter. Criteria: ACMG Guidelines, 2015. Collection method: clinical testing. Allele origin: germline.

NM_000540.3(RYR1):c.8725G>A (p.Asp2909Asn)

Gene: RYR1 (ryanodine receptor 1; plus strand). Cytogenetic location: 19q13.2.
Variant type: single nucleotide variant.
Coding change: c.8725G>A on transcript NM_000540.3 (MANE Select); coding-DNA position 8725, G replaced by A.
Protein change: p.Asp2909Asn; replaces aspartic acid 2909 with asparagine.
Molecular consequence: missense variant.
Genome position (GRCh38, 1-based): chr19:38,506,861, G>A. VCF-style: chr19-38506861-G-A. GRCh37 (hg19) VCF-style: chr19-38997501-G-A.
Other names: c.8725G>A, p.Asp2909Asn (NM_001042723.2); short protein forms D2909N.
Identifiers: ClinVar variation 2435503 (VCV002435503.5), dbSNP rs372974107, ClinGen allele CA072648.